The following is an entry in ClinVar:

NM_177438.3(DICER1):c.2257-12T>C

Gene: DICER1 (dicer 1, ribonuclease III; minus strand). Cytogenetic location: 14q32.13.
Variant type: single nucleotide variant.
Coding change: c.2257-12T>C on transcript NM_177438.3 (MANE Select); 12 bases into the intron before coding-DNA position 2257, T replaced by C.
Molecular consequence: intron variant.
Genome position (GRCh38, 1-based): chr14:95,108,515, A>G on the plus strand (T>C on the coding strand, the complement: DICER1 is on the minus strand). VCF-style: chr14-95108515-A-G. GRCh37 (hg19) VCF-style: chr14-95574852-A-G.
Other names: c.2257-12T>C (NM_001291628.2, NM_030621.4, NM_001395677.1 and 12 more transcripts); c.1852-12T>C (NM_001395690.1, NM_001395687.1, NM_001395689.1 and 2 more transcripts); c.1975-12T>C (NM_001395686.1); c.1690-12T>C (NM_001395691.1); c.574-12T>C (NM_001395697.1).
Identifiers: ClinVar variation 2146369 (VCV002146369.5), dbSNP rs1566778201, ClinGen allele CA2156309186.

ClinVar aggregate classification (germline): Likely benign. Review status: criteria provided, multiple submitters, no conflicts (2 of 4 stars). 2 submissions from 2 submitters: Likely benign (2). Last evaluated 2026-04-13.

Conditions:
DICER1-related tumor predisposition. Also called: DICER1-related pleuropulmonary blastoma cancer predisposition syndrome; DICER1 syndrome. Identifiers: Orphanet 284343, MedGen C3839822, MONDO:0100216.

Allele frequency attached by ClinVar (database versions not stated): gnomAD exomes below 0.00001.
gnomAD v4.1: 1 of 1,612,562 alleles (0.000062%); highest among the groups gnomAD compares: East Asian, 0.0022%; no homozygotes.

Submissions (2):

Myriad Genetics, Inc.
Classification: Likely benign for DICER1-related tumor predisposition. Last evaluated: 2026-04-13. Review status: criteria provided, single submitter. Criteria: Myriad Autosomal Dominant, Autosomal Recessive and X-Linked Classification Criteria (2023). Collection method: clinical testing. Allele origin: unknown.
Comment: This variant is considered likely benign. This variant is intronic and is not expected to impact mRNA splicing.

Labcorp Genetics (formerly Invitae), Labcorp
Classification: Likely benign for DICER1-related tumor predisposition. Last evaluated: 2025-04-21. Review status: criteria provided, single submitter. Criteria: Invitae Variant Classification Sherloc (09022015). Collection method: clinical testing. Allele origin: germline.